The following is an entry in ClinVar:

ClinVar aggregate classification (germline): Uncertain significance (1 of 4 stars; one submission).

Conditions:
Early-infantile DEE. Also called: Ohtahara syndrome; Early infantile epileptic encephalopathy with suppression bursts; Early infantile epileptic encephalopathy. Identifiers: Orphanet 1934, MedGen C0393706, MONDO:0800491.

Allele frequency attached by ClinVar (database versions not stated): gnomAD exomes below 0.00001.
gnomAD v4.1: 2 of 1,613,876 alleles (0.00012%); highest among the groups gnomAD compares: Non-Finnish European, 0.000085%; no homozygotes.

Submission:

Labcorp Genetics (formerly Invitae), Labcorp
Classification: Uncertain significance for Early-infantile DEE. Last evaluated: 2022-01-05. Review status: criteria provided, single submitter. Criteria: Invitae Variant Classification Sherloc (09022015). Collection method: clinical testing. Allele origin: germline.
Comment: In summary, the available evidence is currently insufficient to determine the role of this variant in disease. Therefore, it has been classified as a Variant of Uncertain Significance. Algorithms developed to predict the effect of missense changes on protein structure and function are either unavailable or do not agree on the potential impact of this missense change (SIFT: "Deleterious"; PolyPhen-2: "Possibly Damaging"; Align-GVGD: "Class C0"). This variant has not been reported in the literature in individuals affected with SCN8A-related conditions. This variant is not present in population databases (gnomAD no frequency). This sequence change replaces asparagine, which is neutral and polar, with aspartic acid, which is acidic and polar, at codon 1043 of the SCN8A protein (p.Asn1043Asp).

NM_001330260.2(SCN8A):c.3127A>G (p.Asn1043Asp)

Gene: SCN8A (sodium voltage-gated channel alpha subunit 8; plus strand). Cytogenetic location: 12q13.13.
Variant type: single nucleotide variant.
Coding change: c.3127A>G on transcript NM_001330260.2 (MANE Select); coding-DNA position 3127, A replaced by G.
Protein change: p.Asn1043Asp; replaces asparagine 1043 with aspartic acid.
Molecular consequence: missense variant.
Genome position (GRCh38, 1-based): chr12:51,769,090, A>G. VCF-style: chr12-51769090-A-G. GRCh37 (hg19) VCF-style: chr12-52162874-A-G.
Other names: c.3127A>G, p.Asn1043Asp (NM_001177984.3, NM_001369788.1, NM_014191.4); short protein forms N1043D.
Identifiers: ClinVar variation 2075177 (VCV002075177.4), dbSNP rs2540266422, ClinGen allele CA384892577.
Genomic context (GRCh38, chr12:51,769,090, plus strand): 5'-TTTAAGCAGCGTGAGGCTGATGAGGTGAAGCCTCTGGATGAGTTGTATGAAAAGAAGGCC[A>G]ACTGTATCGCCAATCACACCGGTGCAGACATCCACCGGAATGGTGACTTCCAGAAGAATG-3'
Protein context (NP_001317189.1, residues 1033-1053): PLDELYEKKA[Asn1043Asp]CIANHTGADI